The following is an entry in ClinVar:

ClinVar aggregate classification (germline): Uncertain significance (1 of 4 stars; one submission).

Conditions:
Combined immunodeficiency with skin granulomas. Identifiers: Orphanet 157949, MedGen C2673536, MONDO:0009306, OMIM 233650.
Severe combined immunodeficiency, autosomal recessive, T cell-negative, B cell-negative, NK cell-positive. Also called: SCID, AR, T-cell negative, B-cell negative, NK cell-positive; SCID, T CELL-NEGATIVE, B CELL-NEGATIVE, NK CELL-POSITIVE; Severe combined immunodeficiency due to complete RAG1/2 deficiency. Identifiers: Orphanet 331206, MedGen C1832322, MONDO:0011086, OMIM 601457.

Submission:

Labcorp Genetics (formerly Invitae), Labcorp
Classification: Uncertain significance for Combined immunodeficiency with skin granulomas; Severe combined immunodeficiency, autosomal recessive, T cell-negative, B cell-negative, NK cell-positive. Last evaluated: 2022-08-22. Review status: criteria provided, single submitter. Criteria: Invitae Variant Classification Sherloc (09022015). Collection method: clinical testing. Allele origin: germline.
Comment: This variant is not present in population databases (gnomAD no frequency). This sequence change replaces threonine, which is neutral and polar, with alanine, which is neutral and non-polar, at codon 633 of the RAG1 protein (p.Thr633Ala). This variant has not been reported in the literature in individuals affected with RAG1-related conditions. ClinVar contains an entry for this variant (Variation ID: 1515056). Advanced modeling of protein sequence and biophysical properties (such as structural, functional, and spatial information, amino acid conservation, physicochemical variation, residue mobility, and thermodynamic stability) performed at Invitae indicates that this missense variant is not expected to disrupt RAG1 protein function. In summary, the available evidence is currently insufficient to determine the role of this variant in disease. Therefore, it has been classified as a Variant of Uncertain Significance.

NM_000448.3(RAG1):c.1897A>G (p.Thr633Ala)

Gene: RAG1 (recombination activating 1; plus strand). Cytogenetic location: 11p12.
Variant type: single nucleotide variant.
Coding change: c.1897A>G on transcript NM_000448.3 (MANE Select); coding-DNA position 1897, A replaced by G.
Protein change: p.Thr633Ala; replaces threonine 633 with alanine.
Molecular consequence: missense variant.
Genome position (GRCh38, 1-based): chr11:36,575,201, A>G. VCF-style: chr11-36575201-A-G. GRCh37 (hg19) VCF-style: chr11-36596751-A-G.
Other names: c.1897A>G, p.Thr633Ala (NM_001377277.1, NM_001377278.1, NM_001377279.1 and 1 more transcripts); short protein forms T633A.
Identifiers: ClinVar variation 1515056 (VCV001515056.8), dbSNP rs2133296552, ClinGen allele CA380153540.